The following is an entry in ClinVar:

ClinVar aggregate classification (germline): Likely pathogenic (1 of 4 stars; one submission).

Conditions:
Nephronophthisis. Also called: Juvenile Nephronophthisis. Identifiers: Orphanet 655, MedGen C0687120, MONDO:0019005, HP:0000090.

Allele frequency attached by ClinVar (database versions not stated): gnomAD exomes below 0.00001; TOPMed below 0.00001; gnomAD 0.00001.

Submission:

Labcorp Genetics (formerly Invitae), Labcorp
Classification: Likely pathogenic for Nephronophthisis. Last evaluated: 2020-06-11. Review status: criteria provided, single submitter. Criteria: Invitae Variant Classification Sherloc (09022015). Collection method: clinical testing. Allele origin: germline.
Comment: Algorithms developed to predict the effect of sequence changes on RNA splicing suggest that this variant may disrupt the consensus splice site, but this prediction has not been confirmed by published transcriptional studies. In summary, the currently available evidence indicates that the variant is pathogenic, but additional data are needed to prove that conclusively. Therefore, this variant has been classified as Likely Pathogenic. Loss-of-function variants in NPHP1 are known to be pathogenic (PMID: 23559409). This variant has not been reported in the literature in individuals with NPHP1-related conditions. This variant is not present in population databases (ExAC no frequency). This variant results in the deletion of part of exon 4 (c.325_329+7del) of the NPHP1 gene. It is expected to disrupt RNA splicing and likely results in an absent or disrupted protein product.

Literature cited by the submitters: PubMed 23559409.

NM_001128178.3(NPHP1):c.325_329+7del

Gene: NPHP1 (nephrocystin 1; minus strand). Cytogenetic location: 2q13.
Variant type: Deletion.
Coding change: c.325_329+7del on transcript NM_001128178.3 (MANE Select); coding-DNA position 325 through 7 bases into the intron after coding-DNA position 329, 12 bases deleted (ACTGAGTATGCT).
Molecular consequence: splice donor variant. On other transcripts: intron variant (1).
Genome position (GRCh38, 1-based): chr2:110,178,416-110,178,427, AGCATACTCAGT deleted on the plus strand (ACTGAGTATGCT on the coding strand, the reverse complement: NPHP1 is on the minus strand). VCF-style (leftmost placement, unchanged base first): chr2-110178415-AAGCATACTCAGT-A. GRCh37 (hg19) VCF-style: chr2-110935992-AAGCATACTCAGT-A.
Other names: c.144-8429_144-8418del (NM_001128179.3); c.325_329+7del (NM_001374256.1, NM_001374257.1, NM_207181.4 and 1 more transcripts).
Identifiers: ClinVar variation 1067442 (VCV001067442.7), dbSNP rs1683656584, ClinGen allele CA1034919258.
Genomic context (GRCh38, chr2:110,178,415, plus strand): 5'-GTTAAACATTAAAGCTATTGGTGATATATCTTTAAAAAAGAAAAAAGAAAGGTAGAAAGG[AAGCATACTCAGT>A]TATATTTTCTCTGCTTATTGTCACAGCAAGGCCCTGCAGTTGTTGGGTAAGCTTGTCCAA-3'